The following is an entry in ClinVar:

NM_198252.3(GSN):c.196+5G>A

Gene: GSN (gelsolin; plus strand). Cytogenetic location: 9q33.2.
Variant type: single nucleotide variant.
Coding change: c.196+5G>A on transcript NM_198252.3 (MANE Select); 5 bases into the intron after coding-DNA position 196, G replaced by A.
Molecular consequence: intron variant.
Genome position (GRCh38, 1-based): chr9:121,302,172, G>A. VCF-style: chr9-121302172-G-A. GRCh37 (hg19) VCF-style: chr9-124064450-G-A.
Other names: c.196+5G>A (NM_001353054.1, NM_001353053.1, NM_001353060.2 and 10 more transcripts); c.229+5G>A (NM_001353064.2, NM_001353066.2, NM_001353073.2 and 13 more transcripts); c.304+5G>A (NM_001127663.2); c.268+5G>A (NM_001353076.2); c.-458-739G>A (NM_001353078.2); c.247+5G>A (NM_001258029.2); c.220+5G>A (NM_001258030.2); c.349+5G>A (NM_000177.5).
Identifiers: ClinVar variation 3774204 (VCV003774204.1).
Genomic context (GRCh38, chr9:121,302,172, plus strand): 5'-GAAGACAGTGCAGCTGAGGAACGGAAATCTGCAGTATGACCTCCACTACTGGCTGGGTGA[G>A]GCTGGCCCTGCCCAGCCCCTGCCCCAGCCCCCATTCTGAACAGTGCAGACCTTTGGGGCA-3'

ClinVar aggregate classification (germline): Uncertain significance (1 of 4 stars; one submission).

Submission:

GeneDx
Classification: Uncertain significance. Last evaluated: 2024-09-19. Review status: criteria provided, single submitter. Criteria: GeneDx Variant Classification Process June 2021. Collection method: clinical testing. Allele origin: germline. Affected: yes.
Comment: Not observed at significant frequency in large population cohorts (gnomAD); In silico analysis supports a deleterious effect on splicing; Has not been previously published as pathogenic or benign to our knowledge